The following is an entry in ClinVar:

ClinVar aggregate classification (germline): Likely pathogenic. Review status: criteria provided, multiple submitters, no conflicts (2 of 4 stars). 2 submissions from 2 submitters: Likely pathogenic (2). Last evaluated 2026-05-08.

Conditions:
Breast-ovarian cancer, familial, susceptibility to, 3. Also called: RAD51C-Related Breast/Ovarian Cancer. Identifiers: Orphanet 145, MedGen C3150659, MONDO:0013253, OMIM 613399.

Submissions (2):

Myriad Genetics, Inc.
Classification: Likely pathogenic for Breast-ovarian cancer, familial, susceptibility to, 3. Last evaluated: 2026-05-08. Review status: criteria provided, single submitter. Criteria: Myriad Autosomal Dominant, Autosomal Recessive and X-Linked Classification Criteria (2023). Collection method: clinical testing. Allele origin: unknown.
Comment: This variant is considered likely pathogenic. This variant creates a frameshift predicted to result in premature protein truncation.

Baylor Genetics
Classification: Likely pathogenic for Breast-ovarian cancer, familial, susceptibility to, 3. Last evaluated: 2021-09-14. Review status: criteria provided, single submitter. Criteria: ACMG Guidelines, 2015. Collection method: clinical testing. Allele origin: unknown.

NM_058216.3(RAD51C):c.974delinsAA (p.Thr325fs)

Gene: RAD51C (RAD51 paralog C; plus strand). Cytogenetic location: 17q22.
Variant type: Indel.
Coding change: c.974delinsAA on transcript NM_058216.3 (MANE Select); coding-DNA position 974, C replaced by AA.
Protein change: p.Thr325fs; shifts the reading frame from threonine 325.
Molecular consequence: frameshift variant. On other transcripts: non-coding transcript variant (1).
Genome position (GRCh38, 1-based): chr17:58,732,492, C replaced by AA. VCF-style: chr17-58732492-C-AA. GRCh37 (hg19) VCF-style: chr17-56809853-C-AA.
Other names: c.*402delCinsAA (NM_058217.1); short protein forms T325fs.
Identifiers: ClinVar variation 2678176 (VCV002678176.2), dbSNP rs2509363942, ClinGen allele CA2695200298.